The following is an entry in ClinVar:

ClinVar aggregate classification (germline): Likely benign (1 of 4 stars; one submission).

gnomAD v4.1: 28 of 398,706 alleles (0.007%); highest among the groups gnomAD compares: South Asian, 0.013%; no homozygotes.

Submission:

CeGaT Center for Human Genetics Tuebingen
Classification: Likely benign. Last evaluated: 2025-04-01. Review status: criteria provided, single submitter. Criteria: CeGaT Center For Human Genetics Tuebingen Variant Classification Criteria Version 2. Collection method: clinical testing. Allele origin: germline. Affected: yes. Observed: 1 variant allele.
Comment: CIC: BP4, BP7

NM_001386298.1(CIC):c.1854C>T (p.Pro618=)

Gene: CIC (capicua transcriptional repressor; plus strand). Cytogenetic location: 19q13.2.
Variant type: single nucleotide variant.
Coding change: c.1854C>T on transcript NM_001386298.1 (MANE Select); coding-DNA position 1854, C replaced by T.
Protein change: p.Pro618=; no amino-acid change (proline 618 retained).
Molecular consequence: synonymous variant.
Genome position (GRCh38, 1-based): chr19:42,273,637, C>T. VCF-style: chr19-42273637-C-T. GRCh37 (hg19) VCF-style: chr19-42777789-C-T.
Other names: c.1854C>T, p.Pro618= (NM_001304815.2, NM_001379480.1, NM_001379482.1).
Identifiers: ClinVar variation 3778034 (VCV003778034.7).